The following is an entry in ClinVar:

NM_014865.4(NCAPD2):c.2069G>A (p.Arg690Gln)

Gene: NCAPD2 (non-SMC condensin I complex subunit D2; plus strand). Cytogenetic location: 12p13.31.
Variant type: single nucleotide variant.
Coding change: c.2069G>A on transcript NM_014865.4 (MANE Select); coding-DNA position 2069, G replaced by A.
Protein change: p.Arg690Gln; replaces arginine 690 with glutamine.
Molecular consequence: missense variant.
Genome position (GRCh38, 1-based): chr12:6,522,942, G>A. VCF-style: chr12-6522942-G-A. GRCh37 (hg19) VCF-style: chr12-6632108-G-A.
Other names: short protein forms R690Q.
Identifiers: ClinVar variation 4527057 (VCV004527057.1).

ClinVar aggregate classification (germline): Uncertain significance (1 of 4 stars; one submission).

gnomAD v4.1: 38 of 1,614,168 alleles (0.0024%); highest among the groups gnomAD compares: South Asian, 0.029%; no homozygotes.

Submission:

GeneDx
Classification: Uncertain significance. Last evaluated: 2025-04-30. Review status: criteria provided, single submitter. Criteria: GeneDx Variant Classification Process June 2021. Collection method: clinical testing. Allele origin: germline. Affected: yes.
Comment: In silico analysis supports that this missense variant has a deleterious effect on protein structure/function; Has not been previously published as pathogenic or benign to our knowledge